The following is an entry in ClinVar:

NM_001374736.1(DST):c.12861G>A (p.Ala4287=)

Gene: DST (dystonin; minus strand). Cytogenetic location: 6p12.1.
Variant type: single nucleotide variant.
Coding change: c.12861G>A on transcript NM_001374736.1 (MANE Select); coding-DNA position 12861, G replaced by A.
Protein change: p.Ala4287=; no amino-acid change (alanine 4287 retained).
Molecular consequence: synonymous variant.
Genome position (GRCh38, 1-based): chr6:56,592,224, C>T on the plus strand (G>A on the coding strand, the complement: DST is on the minus strand). VCF-style: chr6-56592224-C-T. GRCh37 (hg19) VCF-style: chr6-56457022-C-T.
Other names: p.Ala1664=; c.6504G>A, p.Ala2168= (NM_001144769.5); c.6090G>A, p.Ala2030= (NM_001144770.2); c.12861G>A, p.Ala4287= (NM_001374722.1); c.12228G>A, p.Ala4076= (NM_001374729.1); c.5970G>A, p.Ala1990= (NM_001374730.1, NM_001386100.1, NM_183380.4); c.12888G>A, p.Ala4296= (NM_001374734.1); c.4992G>A, p.Ala1664= (NM_015548.5).
Identifiers: ClinVar variation 1085541 (VCV001085541.10), dbSNP rs750764970, ClinGen allele CA3868373.

ClinVar aggregate classification (germline): Likely benign. Review status: criteria provided, multiple submitters, no conflicts (2 of 4 stars). 2 submissions from 2 submitters: Likely benign (2). Last evaluated 2025-11-27.

Conditions:
Hereditary sensory and autonomic neuropathy type 6. Also called: HSAN VI; Neuropathy, hereditary sensory and autonomic, type VI. Identifiers: Orphanet 314381, MedGen C3539003, MONDO:0013839, OMIM 614653.
Epidermolysis bullosa simplex 3, localized or generalized intermediate, with BP230 deficiency (EBS3). Also called: Epidermolysis bullosa simplex due to BP230 deficiency; Epidermolysis bullosa simplex, autosomal recessive 2. Identifiers: Orphanet 412181, MedGen C3809470, MONDO:0014180, OMIM 615425.

Allele frequency attached by ClinVar (database versions not stated): TOPMed below 0.00001; gnomAD 0.00001 and 0.00002; gnomAD exomes 0.00003 and 0.00005; ExAC 0.00008.

Submissions (2):

Mayo Clinic Laboratories, Mayo Clinic
Classification: Likely benign. Last evaluated: 2025-11-27. Review status: criteria provided, single submitter. Criteria: ACMG Guidelines, 2015. Collection method: clinical testing. Allele origin: germline. Observed: 2 variant alleles.
Comment: BP4, BP7

Labcorp Genetics (formerly Invitae), Labcorp
Classification: Likely benign for Epidermolysis bullosa simplex 3, localized or generalized intermediate, with BP230 deficiency; Hereditary sensory and autonomic neuropathy type 6. Last evaluated: 2025-08-11. Review status: criteria provided, single submitter. Criteria: Invitae Variant Classification Sherloc (09022015). Collection method: clinical testing. Allele origin: germline.